The following is an entry in ClinVar:

ClinVar aggregate classification (germline): Uncertain significance. Review status: criteria provided, multiple submitters, no conflicts (2 of 4 stars). 2 submissions from 2 submitters: Uncertain significance (2). Last evaluated 2025-10-23.

Conditions:
Hereditary cancer-predisposing syndrome. Also called: Hereditary neoplastic syndrome; Hereditary Cancer Syndrome; Neoplastic Syndromes, Hereditary; Tumor predisposition. Identifiers: Orphanet 140162, MedGen C0027672, MeSH D009386, MONDO:0015356.
Tuberous sclerosis 2 (TSC2). Identifiers: Orphanet 805, MedGen C1860707, MONDO:0013199, OMIM 613254.

Submissions (2):

Ambry Genetics
Classification: Uncertain significance for Hereditary cancer-predisposing syndrome. Last evaluated: 2025-10-23. Review status: criteria provided, single submitter. Criteria: Ambry Variant Classification Scheme 2023. Collection method: clinical testing. Allele origin: germline.
Comment: The p.E929G variant (also known as c.2786A>G), located in coding exon 24 of the TSC2 gene, results from an A to G substitution at nucleotide position 2786. The glutamic acid at codon 929 is replaced by glycine, an amino acid with similar properties. This amino acid position is conserved. In addition, this alteration is predicted to be deleterious by in silico analysis. Since supporting evidence is limited at this time, the clinical significance of this alteration remains unclear.

Labcorp Genetics (formerly Invitae), Labcorp
Classification: Uncertain significance for Tuberous sclerosis 2. Last evaluated: 2022-07-06. Review status: criteria provided, single submitter. Criteria: Invitae Variant Classification Sherloc (09022015). Collection method: clinical testing. Allele origin: germline.
Comment: This sequence change replaces glutamic acid, which is acidic and polar, with glycine, which is neutral and non-polar, at codon 929 of the TSC2 protein (p.Glu929Gly). This variant is not present in population databases (gnomAD no frequency). This variant has not been reported in the literature in individuals affected with TSC2-related conditions. ClinVar contains an entry for this variant (Variation ID: 1364822). Advanced modeling of protein sequence and biophysical properties (such as structural, functional, and spatial information, amino acid conservation, physicochemical variation, residue mobility, and thermodynamic stability) performed at Invitae indicates that this missense variant is not expected to disrupt TSC2 protein function. In summary, the available evidence is currently insufficient to determine the role of this variant in disease. Therefore, it has been classified as a Variant of Uncertain Significance.

NM_000548.5(TSC2):c.2786A>G (p.Glu929Gly)

Gene: TSC2 (TSC complex subunit 2; plus strand). Cytogenetic location: 16p13.3.
Variant type: single nucleotide variant.
Coding change: c.2786A>G on transcript NM_000548.5 (MANE Select); coding-DNA position 2786, A replaced by G.
Protein change: p.Glu929Gly; replaces glutamic acid 929 with glycine.
Molecular consequence: missense variant.
Genome position (GRCh38, 1-based): chr16:2,076,534, A>G. VCF-style: chr16-2076534-A-G. GRCh37 (hg19) VCF-style: chr16-2126535-A-G.
Other names: c.2786A>G, p.Glu929Gly (NM_001077183.3, NM_001114382.3, NM_001363528.2 and 3 more transcripts); c.2675A>G, p.Glu892Gly (NM_001318827.2); c.2639A>G, p.Glu880Gly (NM_001318829.2); c.2186A>G, p.Glu729Gly (NM_001318831.2); c.2819A>G, p.Glu940Gly (NM_001318832.2); c.2786A>G (NM_000548.3); short protein forms E892G, E929G, E729G, E880G, E940G.
Identifiers: ClinVar variation 1364822 (VCV001364822.5), dbSNP rs2151395129, ClinGen allele CA394279976.